The following is an entry in ClinVar:

NM_015338.6(ASXL1):c.2426C>G (p.Ala809Gly)

Gene: ASXL1 (ASXL transcriptional regulator 1; plus strand). Cytogenetic location: 20q11.21.
Variant type: single nucleotide variant.
Coding change: c.2426C>G on transcript NM_015338.6 (MANE Select); coding-DNA position 2426, C replaced by G.
Protein change: p.Ala809Gly; replaces alanine 809 with glycine.
Molecular consequence: missense variant.
Genome position (GRCh38, 1-based): chr20:32,435,138, C>G. VCF-style: chr20-32435138-C-G. GRCh37 (hg19) VCF-style: chr20-31022941-C-G.
Other names: c.2243C>G, p.Ala748Gly (NM_001363734.1); short protein forms A809G, A748G.
Identifiers: ClinVar variation 2743762 (VCV002743762.3), dbSNP rs2145367318, ClinGen allele CA408559787.

ClinVar aggregate classification (germline): Uncertain significance (1 of 4 stars; one submission).

Submission:

Labcorp Genetics (formerly Invitae), Labcorp
Classification: Uncertain significance. Last evaluated: 2023-10-13. Review status: criteria provided, single submitter. Criteria: Invitae Variant Classification Sherloc (09022015). Collection method: clinical testing. Allele origin: germline.
Comment: This sequence change replaces alanine, which is neutral and non-polar, with glycine, which is neutral and non-polar, at codon 809 of the ASXL1 protein (p.Ala809Gly). This variant is not present in population databases (gnomAD no frequency). This variant has not been reported in the literature in individuals affected with ASXL1-related conditions. An algorithm developed to predict the effect of missense changes on protein structure and function (PolyPhen-2) suggests that this variant is likely to be tolerated. In summary, the available evidence is currently insufficient to determine the role of this variant in disease. Therefore, it has been classified as a Variant of Uncertain Significance.